The following is an entry in ClinVar:

NC_000012.12:g.40482027G>A

Gene: MUC19 (mucin 19, oligomeric (gene/pseudogene); plus strand). Cytogenetic location: 12q12.
Variant type: single nucleotide variant.
Genome position: GRCh38 VCF-style: chr12-40482027-G-A. GRCh37 (hg19) VCF-style: chr12-40875829-G-A.
Identifiers: ClinVar variation 2642867 (VCV002642867.24), dbSNP rs191798371, ClinGen allele CA6515824.

ClinVar aggregate classification (germline): Likely benign (1 of 4 stars; one submission).

Allele frequency attached by ClinVar (database versions not stated): gnomAD exomes 0.00026; 1000 Genomes Project 0.00180; 1000 Genomes Project 30x 0.00219.

Submission:

CeGaT Center for Human Genetics Tuebingen
Classification: Likely benign. Last evaluated: 2022-03-01. Review status: criteria provided, single submitter. Criteria: CeGaT Center For Human Genetics Tuebingen Variant Classification Criteria Version 2. Collection method: clinical testing. Allele origin: germline. Affected: yes. Observed: 1 variant allele.
Comment: MUC19: BP4, BP7